The following is an entry in ClinVar:

NM_001165963.4(SCN1A):c.4612G>A (p.Val1538Ile)

Genes: SCN1A (sodium voltage-gated channel alpha subunit 1; minus strand), LOC102724058 (uncharacterized LOC102724058; plus strand). Cytogenetic location: 2q24.3.
Variant type: single nucleotide variant.
Coding change: c.4612G>A on transcript NM_001165963.4 (MANE Select); coding-DNA position 4612, G replaced by A.
Protein change: p.Val1538Ile; replaces valine 1538 with isoleucine.
Molecular consequence: missense variant. On other transcripts: non-coding transcript variant (1).
Genome position (GRCh38, 1-based): chr2:165,994,386, C>T on the plus strand (G>A on the coding strand, the complement: SCN1A is on the minus strand). VCF-style: chr2-165994386-C-T. GRCh37 (hg19) VCF-style: chr2-166850896-C-T.
Other names: NM_001165963.4(SCN1A):c.4612G>A; p.Val1538Ile; c.4612G>A (NM_001202435.1); c.4528G>A, p.Val1510Ile (NM_001165964.3, NM_001353957.2, NM_001353958.2); c.4612G>A, p.Val1538Ile (NM_001202435.3, NM_001353948.2); c.4579G>A, p.Val1527Ile (NM_001353949.2, NM_001353950.2, NM_001353951.2 and 2 more transcripts); c.4576G>A, p.Val1526Ile (NM_001353954.2, NM_001353955.2); c.4525G>A, p.Val1509Ile (NM_001353960.2); and 1 more; short protein forms V1527I, V1538I, V1509I, V1526I, V724I, V1510I.
Identifiers: ClinVar variation 496120 (VCV000496120.36), dbSNP rs780360360, ClinGen allele CA1942758.

ClinVar aggregate classification (germline): Uncertain significance. Review status: reviewed by expert panel (3 of 4 stars). 9 submissions from 9 submitters: Uncertain significance (1). 8 of the submissions do not count toward it. Last evaluated 2025-11-25.

Conditions:
Inborn genetic diseases. Identifiers: MedGen C0950123, MeSH D030342.
Generalized epilepsy with febrile seizures plus, type 2 (GEFSP2). Also called: GEFS+, TYPE 2. Identifiers: Orphanet 36387, MedGen C1858673, MONDO:0011461, OMIM 604403.
Migraine, familial hemiplegic, 3. Identifiers: Orphanet 569, MedGen C1864987, MONDO:0012320, OMIM 609634.
Severe myoclonic epilepsy in infancy (DRVT). Also called: Dravet syndrome; Epileptic encephalopathy, early infantile, 6 (Dravet syndrome); SEVERE MYOCLONIC EPILEPSY OF INFANCY; DEVELOPMENTAL AND EPILEPTIC ENCEPHALOPATHY 6A; Severe Myoclonic Epilepsy in Infancy (SMEI). Identifiers: Orphanet 33069, MedGen C0751122, MONDO:0100135, OMIM 607208.
Generalized epilepsy with febrile seizures plus. Also called: Generalized Epilepsy with Febrile Seizures Plus (GEFS+). Identifiers: Orphanet 36387, MedGen C3502809, MONDO:0018214.
Early-infantile DEE. Also called: Early infantile epileptic encephalopathy with suppression bursts; Early infantile epileptic encephalopathy; Ohtahara syndrome. Identifiers: Orphanet 1934, MedGen C0393706, MONDO:0800491.
SCN1A-related disorder. Also called: SCN1A-related conditions; SCN1A-related condition; SCN1A-related disorders.

Allele frequency attached by ClinVar (database versions not stated): gnomAD exomes 0.00001 and 0.00002; TOPMed 0.00001; ExAC 0.00002; gnomAD 0.00003 and 0.00004.
gnomAD v4.1: 19 of 1,612,632 alleles (0.0012%); highest among the groups gnomAD compares: Admixed American, 0.005%; no homozygotes.

Submissions (9):

ClinGen Epilepsy Sodium Channel Variant Curation Expert Panel, Clingen
Classification: Uncertain significance for Generalized epilepsy with febrile seizures plus. Last evaluated: 2025-11-25. Review status: reviewed by expert panel. Criteria: ClinGen EpilepsySCN ACMG Specifications SCN1A V2.0.0. Collection method: curation. Allele origin: germline. Inheritance: Autosomal dominant inheritance.
Comment: The c.4612G>A variant in SCN1A is a missense variant predicted to cause substitution of Valine by Isoleucine at amino acid 1538 (p.Val1538Ile). The highest population minor allele frequency in gnomAD v4.1.0 is 0.005% (3/59828 alleles) in Admixed American population, which is higher than the ClinGen Epilepsy Sodium Channel Expert Panel threshold 0.0004% for BS1, and therefore meets this criterion (BS1). This variant has been identified as a de novo occurrence with confirmed parental relationships in 1 individual with mild-moderate intellectual disability with seizures (PMID 38764027) and found in a large number of cases with phenotypes ranging from late onset Dravet syndrome, DEE, febrile seizures and autism spectrum disorder (internal data, PMID 18930999, 24066114). Due to the high frequency in gnomAD it is unlikely that this variant is associated with Dravet syndrome but it is possible that it could be associated with a milder GEFS+ phenotype with reduced penetrance/ variable expressivity. In summary, this variant has been classified as a variant of uncertain significance for autosomal dominant generalized epilepsy with febrile seizures plus based on the ACMG/AMP criteria applied, as specified by the ClinGen Epilepsy Sodium Channel VCEP: BS1. (Version 2.0.0; approved 11/25/2025).

PreventionGenetics, part of Exact Sciences
Classification: Uncertain significance for SCN1A-related condition. Last evaluated: 2025-05-25. Review status: criteria provided, single submitter. Criteria: ACMG Guidelines, 2015. Collection method: clinical testing. Allele origin: germline. Not counted in ClinVar's aggregate classification.
Comment: The SCN1A c.4612G>A variant is predicted to result in the amino acid substitution p.Val1538Ile. This variant has been reported in multiple individuals with Dravet syndrome or SCN1A-related epileptic encephalopathy (E-Table B, Depienne et al. 2009. PubMed ID: 18930999; Koshimizu et al. 2013. PubMed ID: 24066114; Table S1, Brunklaus et al. 2020. PubMed ID: 32090326; Supplemental File 4, de novo, Wu et al. 2024. PubMed ID: 38764027). This variant is reported in 0.0057% of alleles in individuals of Latino descent in gnomAD, which is more common than the vast majority of known pathogenic variants. Although we suspect this variant may be pathogenic, at this time the clinical significance is uncertain due to the absence of conclusive functional and genetic evidence.

Labcorp Genetics (formerly Invitae), Labcorp
Classification: Pathogenic for Early-infantile DEE. Last evaluated: 2025-03-16. Review status: criteria provided, single submitter. Criteria: Invitae Variant Classification Sherloc (09022015). Collection method: clinical testing. Allele origin: germline. Not counted in ClinVar's aggregate classification.
Comment: This sequence change replaces valine, which is neutral and non-polar, with isoleucine, which is neutral and non-polar, at codon 1538 of the SCN1A protein (p.Val1538Ile). This variant is present in population databases (rs780360360, gnomAD 0.006%). This missense change has been observed in individual(s) with clinical features of autosomal dominant SCN1A-related conditions (PMID: 18930999, 24066114; internal data). ClinVar contains an entry for this variant (Variation ID: 496120). Invitae Evidence Modeling of protein sequence and biophysical properties (such as structural, functional, and spatial information, amino acid conservation, physicochemical variation, residue mobility, and thermodynamic stability) indicates that this missense variant is expected to disrupt SCN1A protein function with a positive predictive value of 95%. For these reasons, this variant has been classified as Pathogenic.

CeGaT Center for Human Genetics Tuebingen
Classification: Uncertain significance. Last evaluated: 2024-07-01. Review status: criteria provided, single submitter. Criteria: CeGaT Center For Human Genetics Tuebingen Variant Classification Criteria Version 2. Collection method: clinical testing. Allele origin: germline. Affected: yes. Observed: 1 variant allele. Not counted in ClinVar's aggregate classification.
Comment: SCN1A: PM1, PS4:Moderate, PM2:Supporting

Institute of Human Genetics, University of Leipzig Medical Center
Classification: Uncertain significance for Generalized epilepsy with febrile seizures plus, type 2. Last evaluated: 2019-01-01. Review status: criteria provided, single submitter. Criteria: ACMG Guidelines, 2015. Collection method: clinical testing. Allele origin: unknown. Affected: yes. Not counted in ClinVar's aggregate classification.

Fulgent Genetics
Classification: Uncertain significance for Generalized epilepsy with febrile seizures plus, type 2; Severe myoclonic epilepsy in infancy; Migraine, familial hemiplegic, 3. Last evaluated: 2018-10-31. Review status: criteria provided, single submitter. Criteria: ACMG Guidelines, 2015. Collection method: clinical testing. Allele origin: unknown. Not counted in ClinVar's aggregate classification.

Ambry Genetics
Classification: Uncertain significance for Inborn genetic diseases. Last evaluated: 2016-10-26. Review status: criteria provided, single submitter. Criteria: Ambry Variant Classification Scheme 2023. Collection method: clinical testing. Allele origin: germline. Not counted in ClinVar's aggregate classification.
Comment: The p.V1538I variant (also known as c.4612G>A), located in coding exon 25 of the SCN1A gene, results from a G to A substitution at nucleotide position 4612. The valine at codon 1538 is replaced by isoleucine, an amino acid with highly similar properties. This variant has been reported in an individual with late onset Dravet syndrome and an individual with isolated autism spectrum disorder (ASD) (Depienne C et al. J. Med. Genet., 2009 Mar;46:183-91; Koshimizu E et al. PLoS ONE, 2013 Sep;8:e74167). This variant was not reported in population based cohorts in the following databases: Database of Single Nucleotide Polymorphisms (dbSNP), NHLBI Exome Sequencing Project (ESP), and 1000 Genomes Project. In the ESP, this variant was not observed in 6503 samples (13006 alleles) with coverage at this position. This amino acid position is well conserved in available vertebrate species. In addition, this alteration is predicted to be deleterious by in silico analysis. Since supporting evidence is limited at this time, the clinical significance of this alteration remains unclear.

Women's Health and Genetics/Laboratory Corporation of America, LabCorp
Classification: Uncertain significance. Last evaluated: 2016-01-18. Review status: criteria provided, single submitter. Criteria: LabCorp Variant Classification Summary - May 2015. Collection method: clinical testing. Allele origin: germline. Not counted in ClinVar's aggregate classification.

Breakthrough Genomics
Classification: Uncertain significance. Review status: criteria provided, single submitter. Criteria: ACMG Guidelines, 2015. Collection method: not provided. Allele origin: germline. Inheritance: Autosomal dominant inheritance. Affected: yes. Not counted in ClinVar's aggregate classification.

Literature cited by the submitters: PubMed 18930999 (cited by 3 submitters); PubMed 24066114 (cited by 3 submitters); PubMed 24136861 (cited by Women's Health and Genetics/Laboratory Corporation of America, LabCorp); PubMed 23884151 (cited by Women's Health and Genetics/Laboratory Corporation of America, LabCorp).